The following is an entry in ClinVar:

ClinVar aggregate classification (germline): Uncertain significance. Review status: criteria provided, multiple submitters, no conflicts (2 of 4 stars). 2 submissions from 2 submitters: Uncertain significance (2). Last evaluated 2023-12-19.

Allele frequency attached by ClinVar (database versions not stated): gnomAD 0.00001; TOPMed 0.00002; ExAC 0.00004; gnomAD exomes 0.00006 and 0.00018.
gnomAD v4.1: 251 of 1,602,458 alleles (0.016%); highest among the groups gnomAD compares: Non-Finnish European, 0.02%; no homozygotes.

Submissions (2):

Labcorp Genetics (formerly Invitae), Labcorp
Classification: Uncertain significance. Last evaluated: 2023-12-19. Review status: criteria provided, single submitter. Criteria: Invitae Variant Classification Sherloc (09022015). Collection method: clinical testing. Allele origin: germline.
Comment: This sequence change replaces valine, which is neutral and non-polar, with alanine, which is neutral and non-polar, at codon 525 of the RELB protein (p.Val525Ala). This variant is present in population databases (rs759196516, gnomAD 0.04%). This variant has not been reported in the literature in individuals affected with RELB-related conditions. ClinVar contains an entry for this variant (Variation ID: 1425877). An algorithm developed to predict the effect of missense changes on protein structure and function (PolyPhen-2) suggests that this variant is likely to be tolerated. In summary, the available evidence is currently insufficient to determine the role of this variant in disease. Therefore, it has been classified as a Variant of Uncertain Significance.

Ambry Genetics
Classification: Uncertain significance. Last evaluated: 2022-10-27. Review status: criteria provided, single submitter. Criteria: Ambry Variant Classification Scheme 2023. Collection method: clinical testing. Allele origin: germline.

NM_006509.4(RELB):c.1574T>C (p.Val525Ala)

Gene: RELB (RELB proto-oncogene, NF-kB subunit; plus strand). Cytogenetic location: 19q13.32.
Variant type: single nucleotide variant.
Coding change: c.1574T>C on transcript NM_006509.4 (MANE Select); coding-DNA position 1574, T replaced by C.
Protein change: p.Val525Ala; replaces valine 525 with alanine.
Molecular consequence: missense variant.
Genome position (GRCh38, 1-based): chr19:45,037,624, T>C. VCF-style: chr19-45037624-T-C. GRCh37 (hg19) VCF-style: chr19-45540882-T-C.
Other names: c.1574T>C (NM_006509.3); short protein forms V525A.
Identifiers: ClinVar variation 1425877 (VCV001425877.9), dbSNP rs759196516, ClinGen allele CA9507911.